The following is an entry in ClinVar:

ClinVar aggregate classification (germline): Likely pathogenic (1 of 4 stars; one submission).

Conditions:
Autosomal recessive limb-girdle muscular dystrophy type 2J (LGMDR10). Also called: MUSCULAR DYSTROPHY, LIMB-GIRDLE, AUTOSOMAL RECESSIVE 10; Limb-girdle muscular dystrophy, type 2J. Identifiers: Orphanet 140922, MedGen C1837342, MONDO:0012127, OMIM 608807.
Dilated cardiomyopathy 1G (CMD1G). Identifiers: Orphanet 154, MedGen C1858763, MONDO:0011400, OMIM 604145.

Submission:

Labcorp Genetics (formerly Invitae), Labcorp
Classification: Likely pathogenic for Dilated cardiomyopathy 1G; Autosomal recessive limb-girdle muscular dystrophy type 2J. Last evaluated: 2025-07-13. Review status: criteria provided, single submitter. Criteria: Invitae Variant Classification Sherloc (09022015). Collection method: clinical testing. Allele origin: germline.
Comment: This sequence change affects a donor splice site in intron 74 of the TTN gene. It is expected to disrupt RNA splicing and likely results in a truncated or disrupted TTN protein. This variant is not present in population databases (gnomAD no frequency). This variant has not been reported in the literature in individuals affected with TTN-related conditions. Algorithms developed to predict the effect of sequence changes on RNA splicing suggest that this variant may disrupt the consensus splice site. This variant is located in the I band of TTN (PMID: 25589632). Truncating variants in this region have been reported in individuals affected with autosomal recessive centronuclear myopathy (PMID: 23975875, internal data). Truncating variants in this region have also been identified in individuals affected with autosomal dominant dilated cardiomyopathy and/or cardio-related conditions (PMID: 27869827, 32964742, internal data). In summary, the currently available evidence indicates that the variant is pathogenic, but additional data are needed to prove that conclusively. Therefore, this variant has been classified as Likely Pathogenic.

Literature cited by the submitters: PubMed 25589632; PubMed 23975875; PubMed 27869827; PubMed 32964742.

NM_001267550.2(TTN):c.21682+1G>T

Gene: TTN (titin; minus strand). Cytogenetic location: 2q31.2.
Variant type: single nucleotide variant.
Coding change: c.21682+1G>T on transcript NM_001267550.2 (MANE Select); the canonical splice donor site of the intron after coding-DNA position 21682, G replaced by T.
Molecular consequence: splice donor variant. On other transcripts: intron variant (3).
Genome position (GRCh38, 1-based): chr2:178,723,417, C>A on the plus strand (G>T on the coding strand, the complement: TTN is on the minus strand). VCF-style: chr2-178723417-C-A. GRCh37 (hg19) VCF-style: chr2-179588144-C-A.
Other names: c.13282+14665G>T (NM_003319.4); c.13858+14665G>T (NM_133437.4); c.13657+14665G>T (NM_133432.3); c.17950+1G>T (NM_133378.4); c.20731+1G>T (NM_001256850.1).
Identifiers: ClinVar variation 4793515 (VCV004793515.1).